The following is an entry in ClinVar:

NM_000023.4(SGCA):c.658_659del (p.Ala220fs)

Gene: SGCA (sarcoglycan alpha; plus strand). Cytogenetic location: 17q21.33.
Variant type: Deletion.
Coding change: c.658_659del on transcript NM_000023.4 (MANE Select); coding-DNA positions 658 to 659, 2 bases deleted (GC; older notation c.658_659delGC).
Protein change: p.Ala220fs; shifts the reading frame from alanine 220.
Molecular consequence: frameshift variant. On other transcripts: non-coding transcript variant (1), intron variant (1).
Genome position (GRCh38, 1-based): chr17:50,169,165-50,169,166, GC deleted; deleting any 2 consecutive bases within chr17:50,169,164-50,169,166 gives the same sequence; the c. name uses the placement nearest the transcript's 3' end. VCF-style (leftmost placement, unchanged base first): chr17-50169163-ACG-A. GRCh37 (hg19) VCF-style: chr17-48246524-ACG-A.
Other names: c.584+593_584+594del (NM_001135697.3); short protein forms A220fs.
Identifiers: ClinVar variation 836857 (VCV000836857.8), dbSNP rs1905167458, ClinGen allele CA916080909.

ClinVar aggregate classification (germline): Pathogenic (1 of 4 stars; one submission).

Conditions:
Autosomal recessive limb-girdle muscular dystrophy type 2D (LGMDR3). Also called: ADHALINOPATHY, PRIMARY; MUSCULAR DYSTROPHY, LIMB-GIRDLE, AUTOSOMAL RECESSIVE 3; DUCHENNE-LIKE AUTOSOMAL RECESSIVE MUSCULAR DYSTROPHY, TYPE 2. Identifiers: Orphanet 62, MedGen C2936332, MONDO:0011968, OMIM 608099. Disease mechanism: Affects gamma-sarcoglycan and also disrupts the integrity of the entire sarcoglycan complex..

Submission:

Labcorp Genetics (formerly Invitae), Labcorp
Classification: Pathogenic for Autosomal recessive limb-girdle muscular dystrophy type 2D. Last evaluated: 2019-02-14. Review status: criteria provided, single submitter. Criteria: Invitae Variant Classification Sherloc (09022015). Collection method: clinical testing. Allele origin: germline.
Comment: For these reasons, this variant has been classified as Pathogenic. Loss-of-function variants in SGCA are known to be pathogenic (PMID: 9192266). This variant has not been reported in the literature in individuals with SGCA-related conditions. This variant is not present in population databases (ExAC no frequency). This sequence change creates a premature translational stop signal (p.Ala220Profs*23) in the SGCA gene. It is expected to result in an absent or disrupted protein product.

Literature cited by the submitters: PubMed 9192266.